The following is an entry in ClinVar:

NM_000498.3(CYP11B2):c.1098G>T (p.Arg366=)

Genes: CYP11B2 (cytochrome P450 family 11 subfamily B member 2; minus strand), LOC106799834 (CYP11B2 recombination region; plus strand). Cytogenetic location: 8q24.3.
Variant type: single nucleotide variant.
Coding change: c.1098G>T on transcript NM_000498.3 (MANE Select); coding-DNA position 1098, G replaced by T.
Protein change: p.Arg366=; no amino-acid change (arginine 366 retained).
Molecular consequence: synonymous variant.
Genome position (GRCh38, 1-based): chr8:142,913,308, C>A on the plus strand (G>T on the coding strand, the complement: CYP11B2 is on the minus strand). VCF-style: chr8-142913308-C-A. GRCh37 (hg19) VCF-style: chr8-143994724-C-A.
Identifiers: ClinVar variation 362197 (VCV000362197.40), dbSNP rs61757297, ClinGen allele CA4905939.

ClinVar aggregate classification (germline): Likely benign. Review status: criteria provided, multiple submitters, no conflicts (2 of 4 stars). 6 submissions from 4 submitters: Likely benign (6). Last evaluated 2026-01-22.

Conditions:
Corticosterone methyloxidase type 2 deficiency. Also called: 18-OXIDASE DEFICIENCY; ALDOSTERONE DEFICIENCY DUE TO DEFICIENCY OF STEROID 18-OXIDASE; ALDOSTERONE DEFICIENCY II; CMO II DEFICIENCY; STEROID 18-OXIDASE DEFICIENCY. Identifiers: Orphanet 427, MedGen C3463917, MONDO:0012524, OMIM 610600. Disease mechanism: loss of function.
Corticosterone 18-monooxygenase deficiency. Also called: ALDOSTERONE DEFICIENCY DUE TO DEFECT IN STEROID 18-HYDROXYLASE; ALDOSTERONE DEFICIENCY I; CMO I DEFICIENCY; STEROID 18-HYDROXYLASE DEFICIENCY; 18 Hydroxylase deficiency; Aldosterone deficiency due to defect in 18 hydroxylase. Identifiers: Orphanet 427, MedGen C0268293, MONDO:0008751, OMIM 203400. Disease mechanism: loss of function.
Glucocorticoid-remediable aldosteronism. Also called: FH I; GLUCOCORTICOID-SUPPRESSIBLE HYPERALDOSTERONISM; Hyperaldosteronism, familial, type I; ALDOSTERONISM, SENSITIVE TO DEXAMETHASONE; ACTH-DEPENDENT HYPERALDOSTERONISM SYNDROME. Identifiers: Orphanet 403, MedGen C3838731, MONDO:0007080, OMIM 103900.

Allele frequency attached by ClinVar (database versions not stated): ExAC 0.00082; gnomAD 0.00097 and 0.00099; 1000 Genomes Project 0.00100; 1000 Genomes Project 30x 0.00141.

Submissions (6):

Labcorp Genetics (formerly Invitae), Labcorp
Classification: Likely benign. Last evaluated: 2026-01-22. Review status: criteria provided, single submitter. Criteria: Invitae Variant Classification Sherloc (09022015). Collection method: clinical testing. Allele origin: germline.

CeGaT Center for Human Genetics Tuebingen
Classification: Likely benign. Last evaluated: 2023-02-01. Review status: criteria provided, single submitter. Criteria: CeGaT Center For Human Genetics Tuebingen Variant Classification Criteria Version 2. Collection method: clinical testing. Allele origin: germline. Affected: yes. Observed: 1 variant allele.
Comment: CYP11B2: BP4, BP7

Illumina Laboratory Services, Illumina
Classification: Likely benign for Corticosterone 18-monooxygenase deficiency. Last evaluated: 2017-04-28. Review status: criteria provided, single submitter. Criteria: ICSL Variant Classification Criteria 13 December 2019. Collection method: clinical testing. Allele origin: germline.
Comment: This variant was observed as part of a predisposition screen in an ostensibly healthy population. A literature search was performed for the gene, cDNA change, and amino acid change (where applicable). No publications were found based on this search. Allele frequency data from public databases allowed determination this variant is unlikely to cause disease. Therefore, this variant is classified as likely benign.

Illumina Laboratory Services, Illumina
Classification: Likely benign for Hyperaldosteronism, familial, type I. Last evaluated: 2017-04-28. Review status: criteria provided, single submitter. Criteria: ICSL Variant Classification Criteria 13 December 2019. Collection method: clinical testing. Allele origin: germline.
Comment: the same text as in the submission from Illumina Laboratory Services, Illumina above.

Illumina Laboratory Services, Illumina
Classification: Likely benign for Corticosterone methyloxidase type 2 deficiency. Last evaluated: 2017-04-28. Review status: criteria provided, single submitter. Criteria: ICSL Variant Classification Criteria 13 December 2019. Collection method: clinical testing. Allele origin: germline.
Comment: the same text as in the submission from Illumina Laboratory Services, Illumina above.

Breakthrough Genomics
Classification: Likely benign. Review status: criteria provided, single submitter. Criteria: ACMG Guidelines, 2015. Collection method: not provided. Allele origin: germline. Inheritance: Autosomal recessive inheritance. Affected: yes.